The following is an entry in ClinVar:

ClinVar aggregate classification (germline): Uncertain significance (1 of 4 stars; one submission).

Allele frequency attached by ClinVar (database versions not stated): gnomAD exomes below 0.00001; gnomAD 0.00001; TOPMed 0.00001.
gnomAD v4.1: 6 of 1,611,170 alleles (0.00037%); highest among the groups gnomAD compares: African/African-American, 0.0013%; no homozygotes.

Submission:

Labcorp Genetics (formerly Invitae), Labcorp
Classification: Uncertain significance. Last evaluated: 2022-11-22. Review status: criteria provided, single submitter. Criteria: Invitae Variant Classification Sherloc (09022015). Collection method: clinical testing. Allele origin: germline.
Comment: In summary, the available evidence is currently insufficient to determine the role of this variant in disease. Therefore, it has been classified as a Variant of Uncertain Significance. Advanced modeling of protein sequence and biophysical properties (such as structural, functional, and spatial information, amino acid conservation, physicochemical variation, residue mobility, and thermodynamic stability) performed at Invitae indicates that this missense variant is not expected to disrupt DHX38 protein function. This variant has not been reported in the literature in individuals affected with DHX38-related conditions. This variant is not present in population databases (gnomAD no frequency). This sequence change replaces arginine, which is basic and polar, with tryptophan, which is neutral and slightly polar, at codon 1158 of the DHX38 protein (p.Arg1158Trp).

NM_014003.4(DHX38):c.3472C>T (p.Arg1158Trp)

Gene: DHX38 (DEAH-box helicase 38; plus strand). Cytogenetic location: 16q22.2.
Variant type: single nucleotide variant.
Coding change: c.3472C>T on transcript NM_014003.4 (MANE Select); coding-DNA position 3472, C replaced by T.
Protein change: p.Arg1158Trp; replaces arginine 1158 with tryptophan.
Molecular consequence: missense variant.
Genome position (GRCh38, 1-based): chr16:72,109,505, C>T. VCF-style: chr16-72109505-C-T. GRCh37 (hg19) VCF-style: chr16-72143404-C-T.
Other names: short protein forms R1158W.
Identifiers: ClinVar variation 2114009 (VCV002114009.4), dbSNP rs1484925357, ClinGen allele CA396717522.
Genomic context (GRCh38, chr16:72,109,505, plus strand): 5'-GGGGAGTGGCTGGCGGAGCTGGGCCCCATGTTCTATAGCGTGAAACAGGCGGGCAAGTCA[C>T]GGCAGGTGAGGATTCTGTGCTCTTCGCAGGGGTGCTGTTTGCCTGTGGGGTCGGTGTTCC-3'
Protein context (NP_054722.2, residues 1148-1168): FYSVKQAGKS[Arg1158Trp]QENRRRAKEE